The following is an entry in ClinVar:

ClinVar aggregate classification (germline): Uncertain significance (1 of 4 stars; one submission).

Allele frequency attached by ClinVar (database versions not stated): gnomAD exomes below 0.00001.
gnomAD v4.1: 1 of 1,613,500 alleles (0.000062%); highest among the groups gnomAD compares: Non-Finnish European, 0.000085%; no homozygotes.

Submission:

Labcorp Genetics (formerly Invitae), Labcorp
Classification: Uncertain significance. Last evaluated: 2023-11-27. Review status: criteria provided, single submitter. Criteria: Invitae Variant Classification Sherloc (09022015). Collection method: clinical testing. Allele origin: germline.
Comment: This sequence change replaces lysine, which is basic and polar, with glutamic acid, which is acidic and polar, at codon 71 of the OTOF protein (p.Lys71Glu). This variant is not present in population databases (gnomAD no frequency). This variant has not been reported in the literature in individuals affected with OTOF-related conditions. ClinVar contains an entry for this variant (Variation ID: 2006474). Advanced modeling of protein sequence and biophysical properties (such as structural, functional, and spatial information, amino acid conservation, physicochemical variation, residue mobility, and thermodynamic stability) performed at Invitae indicates that this missense variant is not expected to disrupt OTOF protein function with a negative predictive value of 95%. In summary, the available evidence is currently insufficient to determine the role of this variant in disease. Therefore, it has been classified as a Variant of Uncertain Significance.

NM_194248.3(OTOF):c.211A>G (p.Lys71Glu)

Gene: OTOF (otoferlin; minus strand). Cytogenetic location: 2p23.3.
Variant type: single nucleotide variant.
Coding change: c.211A>G on transcript NM_194248.3 (MANE Select); coding-DNA position 211, A replaced by G.
Protein change: p.Lys71Glu; replaces lysine 71 with glutamic acid.
Molecular consequence: missense variant.
Genome position (GRCh38, 1-based): chr2:26,527,848, T>C on the plus strand (A>G on the coding strand, the complement: OTOF is on the minus strand). VCF-style: chr2-26527848-T-C. GRCh37 (hg19) VCF-style: chr2-26750716-T-C.
Other names: c.211A>G, p.Lys71Glu (NM_001287489.2); short protein forms K71E.
Identifiers: ClinVar variation 2006474 (VCV002006474.4), dbSNP rs2465385722, ClinGen allele CA346139866.